The following is an entry in ClinVar:

NM_000245.4(MET):c.2681G>C (p.Cys894Ser)

Gene: MET (MET proto-oncogene, receptor tyrosine kinase; plus strand). Cytogenetic location: 7q31.2.
Variant type: single nucleotide variant.
Coding change: c.2681G>C on transcript NM_000245.4 (MANE Select); coding-DNA position 2681, G replaced by C.
Protein change: p.Cys894Ser; replaces cysteine 894 with serine.
Molecular consequence: missense variant.
Genome position (GRCh38, 1-based): chr7:116,769,742, G>C. VCF-style: chr7-116769742-G-C. GRCh37 (hg19) VCF-style: chr7-116409796-G-C.
Other names: c.2735G>C, p.Cys912Ser (NM_001127500.3); c.2681G>C, p.Cys894Ser (NM_001324401.3); c.1391G>C, p.Cys464Ser (NM_001324402.2); short protein forms C894S, C464S, C912S.
Identifiers: ClinVar variation 4647252 (VCV004647252.2).
Genomic context (GRCh38, chr7:116,769,742, plus strand): 5'-TGTTAAAAGTTGGAAATAAGAGCTGTGAGAATATACACTTACATTCTGAAGCCGTTTTAT[G>C]CACGGTCCCCAATGACCTGCTGAAATTGAACAGCGAGCTAAATATAGAGGTGGGATTCCT-3'
Protein context (NP_000236.2, residues 884-904): NIHLHSEAVL[Cys894Ser]TVPNDLLKLN

ClinVar aggregate classification (germline): Uncertain significance (1 of 4 stars; one submission).

Conditions:
Hereditary cancer-predisposing syndrome. Also called: Hereditary Cancer Syndrome; Hereditary neoplastic syndrome; Neoplastic Syndromes, Hereditary; Tumor predisposition. Identifiers: Orphanet 140162, MedGen C0027672, MeSH D009386, MONDO:0015356.

Submission:

Ambry Genetics
Classification: Uncertain significance for Hereditary cancer-predisposing syndrome. Last evaluated: 2026-07-16. Review status: criteria provided, single submitter. Criteria: Ambry Variant Classification Scheme 2023. Collection method: clinical testing. Allele origin: germline.
Comment: The p.C912S variant (also known as c.2735G>C), located in coding exon 11 of the MET gene, results from a G to C substitution at nucleotide position 2735. The cysteine at codon 912 is replaced by serine, an amino acid with dissimilar properties. This amino acid position is highly conserved in available vertebrate species. In addition, this alteration is predicted to be deleterious by in silico analysis. Based on the available evidence, the clinical significance of this variant remains unclear.